The following is an entry in ClinVar:

NM_005097.4(LGI1):c.432-5_432-4insTTC

Gene: LGI1 (leucine rich glioma inactivated 1; plus strand). Cytogenetic location: 10q23.33.
Variant type: Insertion.
Coding change: c.432-5_432-4insTTC on transcript NM_005097.4 (MANE Select); 5 bases into the intron before coding-DNA position 432 through 4 bases into the intron before coding-DNA position 432, TTC inserted.
Molecular consequence: intron variant.
Genome position: GRCh38 VCF-style: chr10-93790094-T-TTTC. GRCh37 (hg19) VCF-style: chr10-95549851-T-TTTC.
Other names: c.432-5_432-4insTTC (NM_001308275.2); c.288-5_288-4insTTC (NM_001308276.2).
Identifiers: ClinVar variation 1123112 (VCV001123112.54), dbSNP rs1554906719, ClinGen allele CA670098639.

ClinVar aggregate classification (germline): Likely benign. Review status: criteria provided, multiple submitters, no conflicts (2 of 4 stars). 2 submissions from 2 submitters: Likely benign (2). Last evaluated 2026-08-01.

Conditions:
Autosomal dominant epilepsy with auditory features. Identifiers: Orphanet 101046, MedGen C1838062, MONDO:0010898.

Allele frequency attached by ClinVar (database versions not stated): TOPMed below 0.00001.

Submissions (2):

CeGaT Center for Human Genetics Tuebingen
Classification: Likely benign. Last evaluated: 2026-08-01. Review status: criteria provided, single submitter. Criteria: CeGaT Center For Human Genetics Tuebingen Variant Classification Criteria Version 2. Collection method: clinical testing. Allele origin: germline. Affected: yes. Observed: 2 variant alleles.
Comment: LGI1: BP4

Labcorp Genetics (formerly Invitae), Labcorp
Classification: Likely benign for Autosomal dominant epilepsy with auditory features. Last evaluated: 2023-12-11. Review status: criteria provided, single submitter. Criteria: Invitae Variant Classification Sherloc (09022015). Collection method: clinical testing. Allele origin: germline.